The following is an entry in ClinVar:

ClinVar aggregate classification (germline): Uncertain significance. Review status: criteria provided, multiple submitters, no conflicts (2 of 4 stars). 2 submissions from 2 submitters: Uncertain significance (2). Last evaluated 2024-07-02.

Conditions:
Facioscapulohumeral muscular dystrophy 2 (FSHD2). Also called: MUSCULAR DYSTROPHY, FACIOSCAPULOHUMERAL, TYPE 1B; FACIOSCAPULOHUMERAL MUSCULAR DYSTROPHY 2, DIGENIC; FSHD2, DIGENIC. Identifiers: Orphanet 269, MedGen C1834671, MONDO:0008031, OMIM 158901.

gnomAD v4.1: 3 of 1,613,320 alleles (0.00019%); highest among the groups gnomAD compares: Non-Finnish European, 0.00017%; no homozygotes.

Submissions (2):

Labcorp Genetics (formerly Invitae), Labcorp
Classification: Uncertain significance for Facioscapulohumeral muscular dystrophy 2. Last evaluated: 2024-07-02. Review status: criteria provided, single submitter. Criteria: Invitae Variant Classification Sherloc (09022015). Collection method: clinical testing. Allele origin: germline.
Comment: This sequence change replaces serine, which is neutral and polar, with asparagine, which is neutral and polar, at codon 1520 of the SMCHD1 protein (p.Ser1520Asn). This variant is not present in population databases (gnomAD no frequency). This variant has not been reported in the literature in individuals affected with SMCHD1-related conditions. Advanced modeling of protein sequence and biophysical properties (such as structural, functional, and spatial information, amino acid conservation, physicochemical variation, residue mobility, and thermodynamic stability) performed at Invitae indicates that this missense variant is not expected to disrupt SMCHD1 protein function with a negative predictive value of 80%. In summary, the available evidence is currently insufficient to determine the role of this variant in disease. Therefore, it has been classified as a Variant of Uncertain Significance.

Revvity Omics, Revvity
Classification: Uncertain significance. Last evaluated: 2024-01-02. Review status: criteria provided, single submitter. Criteria: ACMG Guidelines, 2015. Collection method: clinical testing. Allele origin: germline.

NM_015295.3(SMCHD1):c.4559G>A (p.Ser1520Asn)

Gene: SMCHD1 (structural maintenance of chromosomes flexible hinge domain containing 1; plus strand). Cytogenetic location: 18p11.32.
Variant type: single nucleotide variant.
Coding change: c.4559G>A on transcript NM_015295.3 (MANE Select); coding-DNA position 4559, G replaced by A.
Protein change: p.Ser1520Asn; replaces serine 1520 with asparagine.
Molecular consequence: missense variant.
Genome position (GRCh38, 1-based): chr18:2,762,229, G>A. VCF-style: chr18-2762229-G-A. GRCh37 (hg19) VCF-style: chr18-2762227-G-A.
Other names: c.4559G>A (NM_015295.2); short protein forms S1520N.
Identifiers: ClinVar variation 3682332 (VCV003682332.3).